The following is an entry in ClinVar:

ClinVar aggregate classification (germline): Uncertain significance (1 of 4 stars; one submission).

Allele frequency attached by ClinVar (database versions not stated): gnomAD 0.00001; gnomAD exomes 0.00001; TOPMed 0.00001.

Submission:

Labcorp Genetics (formerly Invitae), Labcorp
Classification: Uncertain significance. Last evaluated: 2021-08-28. Review status: criteria provided, single submitter. Criteria: Invitae Variant Classification Sherloc (09022015). Collection method: clinical testing. Allele origin: germline.
Comment: This sequence change affects the initiator methionine of the EFL1 mRNA. The next in-frame methionine is located at codon 9. This variant is not present in population databases (ExAC no frequency). This variant has not been reported in the literature in individuals affected with EFL1-related conditions. Experimental studies and prediction algorithms are not available or were not evaluated, and the functional significance of this variant is currently unknown. In summary, the available evidence is currently insufficient to determine the role of this variant in disease. Therefore, it has been classified as a Variant of Uncertain Significance.

NM_024580.6(EFL1):c.1A>G (p.Met1Val)

Gene: EFL1 (elongation factor like GTPase 1; minus strand). Cytogenetic location: 15q25.2.
Variant type: single nucleotide variant.
Coding change: c.1A>G on transcript NM_024580.6 (MANE Select); coding-DNA position 1, A replaced by G.
Protein change: p.Met1Val; changes the start codon (methionine 1).
Molecular consequence: missense variant, initiator codon variant. On other transcripts: 5 prime UTR variant (1), non-coding transcript variant (1).
Genome position (GRCh38, 1-based): chr15:82,261,778, T>C on the plus strand (A>G on the coding strand, the complement: EFL1 is on the minus strand). VCF-style: chr15-82261778-T-C. GRCh37 (hg19) VCF-style: chr15-82554119-T-C.
Other names: c.1A>G, p.Met1Val (NM_001040610.3, NM_001322845.2); c.-704A>G (NM_001322844.2); short protein forms M1V.
Identifiers: ClinVar variation 1024924 (VCV001024924.6), dbSNP rs1365335880, ClinGen allele CA393286762.